The following is an entry in ClinVar:

NM_000038.6(APC):c.7624A>G (p.Asn2542Asp)

Gene: APC (APC regulator of Wnt signaling pathway; plus strand). Cytogenetic location: 5q22.2.
Variant type: single nucleotide variant.
Coding change: c.7624A>G on transcript NM_000038.6 (MANE Select); coding-DNA position 7624, A replaced by G.
Protein change: p.Asn2542Asp; replaces asparagine 2542 with aspartic acid.
Molecular consequence: missense variant.
Genome position (GRCh38, 1-based): chr5:112,843,218, A>G. VCF-style: chr5-112843218-A-G. GRCh37 (hg19) VCF-style: chr5-112178915-A-G.
Other names: c.7624A>G, p.Asn2542Asp (NM_001127510.3, NM_001354895.2); c.7570A>G, p.Asn2524Asp (NM_001127511.3); c.7678A>G, p.Asn2560Asp (NM_001354896.2); c.7654A>G, p.Asn2552Asp (NM_001354897.2); c.7549A>G, p.Asn2517Asp (NM_001354898.2); c.7540A>G, p.Asn2514Asp (NM_001354899.2); c.7501A>G, p.Asn2501Asp (NM_001354900.2); c.7447A>G, p.Asn2483Asp (NM_001354901.2); and 5 more; short protein forms N2259D, N2382D, N2416D, N2441D, N2451D, N2483D, N2501D, N2514D.
Identifiers: ClinVar variation 1170969 (VCV001170969.6), dbSNP rs2149990803, ClinGen allele CA16037890.

ClinVar aggregate classification (germline): Uncertain significance. Review status: criteria provided, multiple submitters, no conflicts (2 of 4 stars). 2 submissions from 2 submitters: Uncertain significance (2). Last evaluated 2024-03-06.

Conditions:
Hereditary cancer-predisposing syndrome. Also called: Tumor predisposition; Hereditary neoplastic syndrome; Hereditary Cancer Syndrome; Neoplastic Syndromes, Hereditary. Identifiers: Orphanet 140162, MedGen C0027672, MeSH D009386, MONDO:0015356.

gnomAD v4.1: 1 of 1,613,858 alleles (0.000062%); highest among the groups gnomAD compares: Non-Finnish European, 0.000085%; no homozygotes.

Submissions (2):

Color Diagnostics, LLC DBA Color Health
Classification: Uncertain significance for Hereditary cancer-predisposing syndrome. Last evaluated: 2024-03-06. Review status: criteria provided, single submitter. Criteria: ACMG Guidelines, 2015. Collection method: clinical testing. Allele origin: germline.
Comment: This missense variant replaces asparagine with aspartic acid at codon 2542 of the APC protein. Computational prediction suggests that this variant may not impact protein structure and function (internally defined REVEL score threshold <= 0.5, PMID: 27666373). To our knowledge, functional studies have not been reported for this variant. This variant has not been reported in individuals affected with hereditary cancer in the literature. This variant has not been identified in the general population by the Genome Aggregation Database (gnomAD). The available evidence is insufficient to determine the role of this variant in disease conclusively. Therefore, this variant is classified as a Variant of Uncertain Significance.

Ambry Genetics
Classification: Uncertain significance for Hereditary cancer-predisposing syndrome. Last evaluated: 2023-05-24. Review status: criteria provided, single submitter. Criteria: Ambry Variant Classification Scheme 2023. Collection method: clinical testing. Allele origin: germline.
Comment: The p.N2542D variant (also known as c.7624A>G), located in coding exon 15 of the APC gene, results from an A to G substitution at nucleotide position 7624. The asparagine at codon 2542 is replaced by aspartic acid, an amino acid with highly similar properties. This amino acid position is well conserved in available vertebrate species. In addition, in silico predictors for this gene do not accurately predict pathogenicity. Since supporting evidence is limited at this time, the clinical significance of this alteration remains unclear.